The following is an entry in ClinVar:

ClinVar aggregate classification (germline): Benign/Likely benign. Review status: criteria provided, multiple submitters, no conflicts (2 of 4 stars). 4 submissions from 4 submitters: Benign (1); Likely benign (2). 1 of the submissions does not count toward it. Last evaluated 2025-12-15.

Conditions:
Hereditary cancer-predisposing syndrome. Also called: Tumor predisposition; Neoplastic Syndromes, Hereditary; Hereditary Cancer Syndrome; Hereditary neoplastic syndrome. Identifiers: Orphanet 140162, MedGen C0027672, MeSH D009386, MONDO:0015356.
SDHA-related disorder. Also called: SDHA-related disorders; SDHA-related condition.
Pheochromocytoma/paraganglioma syndrome 5. Also called: Paragangliomas 5; SDHA-Related Hereditary Paraganglioma-Pheochromocytoma Syndrome. Identifiers: Orphanet 29072, MedGen C3279992, MONDO:0013602, OMIM 614165.
Mitochondrial complex II deficiency, nuclear type 1. Also called: SUCCINATE CoQ REDUCTASE DEFICIENCY. Identifiers: Orphanet 3208, MedGen C5700310, MONDO:0100294, OMIM 252011.

gnomAD v4.1: 1 of 1,613,982 alleles (0.000062%); highest among the groups gnomAD compares: Non-Finnish European, 0.000085%; no homozygotes.

Submissions (4):

Labcorp Genetics (formerly Invitae), Labcorp
Classification: Likely benign for Pheochromocytoma/paraganglioma syndrome 5; Mitochondrial complex II deficiency, nuclear type 1. Last evaluated: 2025-12-15. Review status: criteria provided, single submitter. Criteria: Invitae Variant Classification Sherloc (09022015). Collection method: clinical testing. Allele origin: germline.

Myriad Genetics, Inc.
Classification: Benign for Pheochromocytoma/paraganglioma syndrome 5. Last evaluated: 2025-03-07. Review status: criteria provided, single submitter. Criteria: Myriad Autosomal Dominant, Autosomal Recessive and X-Linked Classification Criteria (2023). Collection method: clinical testing. Allele origin: unknown.
Comment: This variant is considered benign. This variant is a silent/synonymous amino acid change and it is not expected to impact splicing.

Ambry Genetics
Classification: Likely benign for Hereditary cancer-predisposing syndrome. Last evaluated: 2020-01-22. Review status: criteria provided, single submitter. Criteria: Ambry Variant Classification Scheme 2023. Collection method: clinical testing. Allele origin: germline.

PreventionGenetics, part of Exact Sciences
Classification: Likely benign for SDHA-related condition. Last evaluated: 2021-09-14. Review status: no assertion criteria provided. Collection method: clinical testing. Allele origin: germline. Not counted in ClinVar's aggregate classification.
Comment: This variant is classified as likely benign based on ACMG/AMP sequence variant interpretation guidelines (Richards et al. 2015 PMID: 25741868, with internal and published modifications).

NM_004168.4(SDHA):c.1119A>G (p.Pro373=)

Gene: SDHA (succinate dehydrogenase complex flavoprotein subunit A; plus strand). Cytogenetic location: 5p15.33.
Variant type: single nucleotide variant.
Coding change: c.1119A>G on transcript NM_004168.4 (MANE Select); coding-DNA position 1119, A replaced by G.
Protein change: p.Pro373=; no amino-acid change (proline 373 retained).
Molecular consequence: synonymous variant.
Genome position (GRCh38, 1-based): chr5:235,198, A>G. VCF-style: chr5-235198-A-G. GRCh37 (hg19) VCF-style: chr5-235313-A-G.
Other names: c.975A>G, p.Pro325= (NM_001294332.2); c.1119A>G, p.Pro373= (NM_001330758.2).
Identifiers: ClinVar variation 699075 (VCV000699075.16), dbSNP rs1428505412, ClinGen allele CA442691954.